The following is an entry in ClinVar:

ClinVar aggregate classification (germline): Pathogenic/Likely pathogenic. Review status: criteria provided, multiple submitters, no conflicts (2 of 4 stars). 10 submissions from 10 submitters: Pathogenic (6); Likely pathogenic (1). 3 of the submissions do not count toward it. Last evaluated 2025-12-03.

Conditions:
Multiple congenital anomalies/dysmorphic syndrome-intellectual disability. Identifiers: Orphanet 102283, MedGen C5680372, MONDO:0015159.
Fontaine progeroid syndrome. Also called: CRANIOFACIAL DYSOSTOSIS, HYPERTRICHOSIS, HYPOPLASIA OF LABIA MAJORA, DENTAL AND EYE ANOMALIES, PATENT DUCTUS ARTERIOSUS, AND NORMAL INTELLIGENCE; Craniofacial dysostosis, patent ductus arteriosus, hypertrichosis, hypoplasia of labia majora, dental and eye anomalies; GCM syndrome; Gorlin-Chaudhry-Moss syndrome; Progeroid syndrome congenital Petty type; Petty Laxova Wiedemann syndrome. Identifiers: Orphanet 2095, MedGen C2676780, MONDO:0012853, OMIM 612289.

Submissions (10):

Biochemical Genetics Laboratory, National Taiwan University
Classification: Likely pathogenic for Fontaine progeroid syndrome. Last evaluated: 2025-12-03. Review status: criteria provided, single submitter. Criteria: ACMG Guidelines, 2015. Collection method: clinical testing. Allele origin: germline. Affected: yes.

Labcorp Genetics (formerly Invitae), Labcorp
Classification: Pathogenic. Last evaluated: 2024-08-04. Review status: criteria provided, single submitter. Criteria: Invitae Variant Classification Sherloc (09022015). Collection method: clinical testing. Allele origin: germline.
Comment: This sequence change replaces arginine, which is basic and polar, with histidine, which is basic and polar, at codon 217 of the SLC25A24 protein (p.Arg217His). This variant is not present in population databases (gnomAD no frequency). This missense change has been observed in individual(s) with Fontaine progeroid syndrome (PMID: 29100094, 30329211). In at least one individual the variant was observed to be de novo. ClinVar contains an entry for this variant (Variation ID: 370032). Advanced modeling of protein sequence and biophysical properties (such as structural, functional, and spatial information, amino acid conservation, physicochemical variation, residue mobility, and thermodynamic stability) performed at Invitae indicates that this missense variant is expected to disrupt SLC25A24 protein function with a positive predictive value of 80%. Experimental studies have shown that this missense change affects SLC25A24 function (PMID: 29100094). For these reasons, this variant has been classified as Pathogenic.

GeneDx
Classification: Pathogenic. Last evaluated: 2024-06-06. Review status: criteria provided, single submitter. Criteria: GeneDx Variant Classification Process June 2021. Collection method: clinical testing. Allele origin: germline. Affected: yes.
Comment: Published functional studies suggest that this variant results in mitochondrial dysfunction (PMID: 29100093, 29100094); Not observed at significant frequency in large population cohorts (gnomAD); This variant is associated with the following publications: (PMID: 30329211, 30281880, 29100093, 29100094, 21216154, 19731360, 10594888, 31775791, 31231135, 36093452, Pannier2022[Abstract], 37449547, 36647814)

AURAGEN, Plan France Médecine Génomique
Classification: Pathogenic for Multiple congenital anomalies/dysmorphic syndrome-intellectual disability. Last evaluated: 2022-05-06. Review status: criteria provided, single submitter. Criteria: PFMG2025 (Lancet Reg Health Eur. 2025). Collection method: clinical testing. Allele origin: germline. Affected: yes.

Fulgent Genetics
Classification: Pathogenic for Fontaine progeroid syndrome. Last evaluated: 2018-10-31. Review status: criteria provided, single submitter. Criteria: ACMG Guidelines, 2015. Collection method: clinical testing. Allele origin: unknown.

Centre for Mendelian Genomics, University Medical Centre Ljubljana
Classification: Pathogenic for Fontaine progeroid syndrome. Last evaluated: 2016-10-04. Review status: criteria provided, single submitter. Criteria: ACMG Guidelines, 2015. Collection method: clinical testing. Allele origin: de novo. Inheritance: Autosomal dominant inheritance. Affected: yes.
Comment: The variant was identified as de novo in three independent cases with the syndrome and functional studies have shown a likely altered function of the protein.

Variantyx, Inc.
Classification: Pathogenic for Fontaine progeroid syndrome. Review status: criteria provided, single submitter. Criteria: Variantyx Assertion Criteria 2022. Collection method: clinical testing. Allele origin: germline. Inheritance: Autosomal dominant inheritance. Affected: yes.
Comment: This is a nonsynonymous variant in the SLC25A24 gene (OMIM: 608744). Pathogenic variants in this gene have been associated with autosomal dominant Fontaine progeroid syndrome. Functional studies have shown that this variant alters SLC25A24 protein function (PMID: 29100094, 29100093) (PS3) and multiple computational algorithms predict a deleterious effect for this variant (REVEL score: 0.887) (PP3). This variant is absent from control populations (PM2). Based on the current evidence, this variant is classified as pathogenic for autosomal dominant Fontaine progeroid syndrome.

OMIM
Classification: Pathogenic for FONTAINE PROGEROID SYNDROME. Last evaluated: 2022-10-11. Review status: no assertion criteria provided. Collection method: literature only. Allele origin: germline. Not counted in ClinVar's aggregate classification.

Joint Genome Diagnostic Labs from Nijmegen and Maastricht, Radboudumc and MUMC+
Classification: Pathogenic. Review status: no assertion criteria provided. Collection method: clinical testing. Allele origin: germline. Affected: yes. Study: VKGL Data-share Consensus. Not counted in ClinVar's aggregate classification.

Laboratory of Diagnostic Genome Analysis, Leiden University Medical Center (LUMC)
Classification: Pathogenic. Review status: no assertion criteria provided. Collection method: clinical testing. Allele origin: germline. Affected: yes. Study: VKGL Data-share Consensus. Not counted in ClinVar's aggregate classification.

Literature cited by the submitters: PubMed 29100094 (cited by 3 submitters); PubMed 30329211 (cited by Labcorp Genetics (formerly Invitae), Labcorp); PubMed 29100093 (cited by Variantyx, Inc. and OMIM); PubMed 31231135 (cited by Variantyx, Inc.); PubMed 21216154 (cited by OMIM); PubMed 10594888 (cited by OMIM); PubMed 19731360 (cited by OMIM).

NM_013386.5(SLC25A24):c.650G>A (p.Arg217His)

Gene: SLC25A24 (solute carrier family 25 member 24; minus strand). Cytogenetic location: 1p13.3.
Variant type: single nucleotide variant.
Coding change: c.650G>A on transcript NM_013386.5 (MANE Select); coding-DNA position 650, G replaced by A.
Protein change: p.Arg217His; replaces arginine 217 with histidine.
Molecular consequence: missense variant.
Genome position (GRCh38, 1-based): chr1:108,157,481, C>T on the plus strand (G>A on the coding strand, the complement: SLC25A24 is on the minus strand). VCF-style: chr1-108157481-C-T. GRCh37 (hg19) VCF-style: chr1-108700103-C-T.
Other names: c.593G>A, p.Arg198His (NM_213651.3); short protein forms R198H, R217H.
Identifiers: ClinVar variation 370032 (VCV000370032.17), dbSNP rs1553253989, ClinGen allele CA341194704.